The following is an entry in ClinVar:

ClinVar aggregate classification (germline): Likely pathogenic (1 of 4 stars; one submission).

Conditions:
Rotor syndrome (HBLRR). Also called: HYPERBILIRUBINEMIA, ROTOR TYPE; HYPERBILIRUBINEMIA, ROTOR TYPE, DIGENIC. Identifiers: Orphanet 3111, MedGen C0220991, MONDO:0009379, OMIM 237450.

Submission:

ARUP Laboratories, Molecular Genetics and Genomics, ARUP Laboratories
Classification: Likely pathogenic for Rotor syndrome. Last evaluated: 2024-07-05. Review status: criteria provided, single submitter. Criteria: ARUP Molecular Germline Variant Investigation Process 2024. Collection method: clinical testing. Allele origin: germline.
Comment: The SLCO1B3 c.727+1_727+2delinsA variant, to our knowledge, is not reported in the medical literature or gene specific databases. This variant is also absent from the Genome Aggregation Database (v2.1.1), indicating it is not a common polymorphism. This variant disrupts the canonical splice donor site of intron 8, which is likely to negatively impact gene function. Based on available information, this variant is considered to be likely pathogenic.

NM_019844.4(SLCO1B3):c.727+1_727+2delinsA

Genes: SLCO1B3 (solute carrier organic anion transporter family member 1B3; plus strand), SLCO1B3-SLCO1B7 (SLCO1B3-SLCO1B7 readthrough; plus strand). Cytogenetic location: 12p12.2.
Variant type: Indel.
Coding change: c.727+1_727+2delinsA on transcript NM_019844.4 (MANE Select); the canonical splice donor site of the intron after coding-DNA position 727, GT replaced by A.
Molecular consequence: splice donor variant.
Genome position (GRCh38, 1-based): chr12:20,862,855-20,862,856, GT replaced by A. VCF-style: chr12-20862855-GT-A. GRCh37 (hg19) VCF-style: chr12-21015789-GT-A.
Other names: c.643+1_643+2delinsA (NM_001349920.2); c.727+1_727+2delinsA (NM_001371097.1).
Identifiers: ClinVar variation 3766697 (VCV003766697.1).
Genomic context (GRCh38, chr12:20,862,855, plus strand): 5'-GCTTTGCACTGGGATCTCTGTTTGCTAAAATGTACGTGGATATTGGATATGTAGATCTGA[GT>A]AAGTACAATTAGAACAAGGTACCATGATAGTGTCTTTTAAGTGCAGGACACCATTCTTCC-3'